The following is an entry in ClinVar:

NM_030930.4(UNC93B1):c.97-1G>A

Genes: UNC93B1 (unc-93B1 regulator of TLR signaling; minus strand), LOC130006235 (ATAC-STARR-seq lymphoblastoid silent region 3653; plus strand). Cytogenetic location: 11q13.2.
Variant type: single nucleotide variant.
Coding change: c.97-1G>A on transcript NM_030930.4 (MANE Select); the canonical splice acceptor site of the intron before coding-DNA position 97, G replaced by A.
Molecular consequence: splice acceptor variant.
Genome position (GRCh38, 1-based): chr11:68,003,799, C>T on the plus strand (G>A on the coding strand, the complement: UNC93B1 is on the minus strand). VCF-style: chr11-68003799-C-T. GRCh37 (hg19) VCF-style: chr11-67771269-C-T.
Identifiers: ClinVar variation 4696857 (VCV004696857.1).

ClinVar aggregate classification (germline): Likely pathogenic (1 of 4 stars; one submission).

Conditions:
Encephalopathy, acute, infection-induced (herpes-specific), susceptibility to, 1. Also called: Herpes simplex encephalitis, susceptibility to, 1. Identifiers: Orphanet 1930, MedGen C2750180, MONDO:0024563, OMIM 610551.

gnomAD v4.1: 3 of 1,485,206 alleles (0.0002%); highest among the groups gnomAD compares: Non-Finnish European, 0.00027%; no homozygotes.

Submission:

Labcorp Genetics (formerly Invitae), Labcorp
Classification: Likely pathogenic for Encephalopathy, acute, infection-induced (herpes-specific), susceptibility to, 1. Last evaluated: 2025-01-30. Review status: criteria provided, single submitter. Criteria: Invitae Variant Classification Sherloc (09022015). Collection method: clinical testing. Allele origin: germline.
Comment: This sequence change affects an acceptor splice site in intron 1 of the UNC93B1 gene. It is expected to disrupt RNA splicing. Variants that disrupt the donor or acceptor splice site typically lead to a loss of protein function (PMID: 16199547), and loss-of-function variants in UNC93B1 are known to be pathogenic (PMID: 16973841). This variant is present in population databases (no rsID available, gnomAD 0.007%). This variant has not been reported in the literature in individuals affected with UNC93B1-related conditions. Algorithms developed to predict the effect of sequence changes on RNA splicing suggest that this variant may disrupt the consensus splice site. In summary, the currently available evidence indicates that the variant is pathogenic, but additional data are needed to prove that conclusively. Therefore, this variant has been classified as Likely Pathogenic.

Literature cited by the submitters: PubMed 16199547; PubMed 16973841.